The following is an entry in ClinVar:

ClinVar aggregate classification (germline): Likely benign. Review status: criteria provided, multiple submitters, no conflicts (2 of 4 stars). 2 submissions from 2 submitters: Likely benign (2). Last evaluated 2026-08-01.

Allele frequency attached by ClinVar (database versions not stated): ESP Exome Variant Server 0.00031; gnomAD exomes 0.00036; gnomAD 0.00049; TOPMed 0.00049; 1000 Genomes Project 30x 0.00062; ExAC 0.00064; 1000 Genomes Project 0.00080.
gnomAD v4.1: 639 of 1,612,126 alleles (0.04%); highest among the groups gnomAD compares: Middle Eastern, 0.63%; 4 homozygotes.

Submissions (2):

CeGaT Center for Human Genetics Tuebingen
Classification: Likely benign. Last evaluated: 2026-08-01. Review status: criteria provided, single submitter. Criteria: CeGaT Center For Human Genetics Tuebingen Variant Classification Criteria Version 2. Collection method: clinical testing. Allele origin: germline. Affected: yes. Observed: 7 variant alleles.
Comment: WDFY3: BP4, BP7, BS1

Blueprint Genetics
Classification: Likely benign. Last evaluated: 2024-11-18. Review status: criteria provided, single submitter. Criteria: ACMG Guidelines, 2015. Collection method: clinical testing. Allele origin: germline.

NM_014991.6(WDFY3):c.5643C>T (p.Asn1881=)

Gene: WDFY3 (WD repeat and FYVE domain containing 3; minus strand). Cytogenetic location: 4q21.23.
Variant type: single nucleotide variant.
Coding change: c.5643C>T on transcript NM_014991.6 (MANE Select); coding-DNA position 5643, C replaced by T.
Protein change: p.Asn1881=; no amino-acid change (asparagine 1881 retained).
Molecular consequence: synonymous variant.
Genome position (GRCh38, 1-based): chr4:84,753,793, G>A on the plus strand (C>T on the coding strand, the complement: WDFY3 is on the minus strand). VCF-style: chr4-84753793-G-A. GRCh37 (hg19) VCF-style: chr4-85674946-G-A.
Identifiers: ClinVar variation 2654870 (VCV002654870.25), dbSNP rs199570433, ClinGen allele CA2993001.